The following is an entry in ClinVar:

NM_006277.3(ITSN2):c.4600G>A (p.Ala1534Thr)

Gene: ITSN2 (intersectin 2; minus strand). Cytogenetic location: 2p23.3.
Variant type: single nucleotide variant.
Coding change: c.4600G>A on transcript NM_006277.3 (MANE Select); coding-DNA position 4600, G replaced by A.
Protein change: p.Ala1534Thr; replaces alanine 1534 with threonine.
Molecular consequence: missense variant.
Genome position (GRCh38, 1-based): chr2:24,208,315, C>T on the plus strand (G>A on the coding strand, the complement: ITSN2 is on the minus strand). VCF-style: chr2-24208315-C-T. GRCh37 (hg19) VCF-style: chr2-24431184-C-T.
Other names: c.4558G>A, p.Ala1520Thr (NM_001348181.2); c.4480G>A, p.Ala1494Thr (NM_001348182.2); c.4519G>A, p.Ala1507Thr (NM_019595.4); c.4600G>A (NM_006277.2); short protein forms A1494T, A1507T, A1520T, A1534T.
Identifiers: ClinVar variation 1240643 (VCV001240643.5), dbSNP rs2303291, ClinGen allele CA1550516.

ClinVar aggregate classification (germline): Benign. Review status: criteria provided, multiple submitters, no conflicts (2 of 4 stars). 3 submissions from 3 submitters: Benign (2). 1 of the submissions does not count toward it. Last evaluated 2021-05-12.

Conditions:
ITSN2-related disorder. Also called: ITSN2-related condition.

Allele frequency attached by ClinVar (database versions not stated): 1000 Genomes Project 30x 0.13523; 1000 Genomes Project 0.13898; TOPMed 0.16952; gnomAD 0.17614 and 0.17709; ESP Exome Variant Server 0.18030; ExAC 0.19638; gnomAD exomes 0.19741.
gnomAD v4.1: 379,780 of 1,610,200 alleles (24%); highest among the groups gnomAD compares: Non-Finnish European, 26%; 48,256 homozygotes.

Submissions (3):

GeneDx
Classification: Benign. Last evaluated: 2021-05-12. Review status: criteria provided, single submitter. Criteria: GeneDx Variant Classification Process June 2021. Collection method: clinical testing. Allele origin: germline. Affected: yes.

Breakthrough Genomics
Classification: Benign. Review status: criteria provided, single submitter. Criteria: ACMG Guidelines, 2015. Collection method: not provided. Allele origin: germline. Inheritance: Unknown mechanism. Affected: yes.

PreventionGenetics, part of Exact Sciences
Classification: Benign for ITSN2-related condition. Last evaluated: 2020-01-31. Review status: no assertion criteria provided. Collection method: clinical testing. Allele origin: germline. Not counted in ClinVar's aggregate classification.
Comment: This variant is classified as benign based on ACMG/AMP sequence variant interpretation guidelines (Richards et al. 2015 PMID: 25741868, with internal and published modifications).